The following is an entry in ClinVar:

NM_001199107.2(TBC1D24):c.867G>A (p.Ala289=)

Gene: TBC1D24 (TBC1 domain family member 24; plus strand). Cytogenetic location: 16p13.3.
Variant type: single nucleotide variant.
Coding change: c.867G>A on transcript NM_001199107.2 (MANE Select); coding-DNA position 867, G replaced by A.
Protein change: p.Ala289=; no amino-acid change (alanine 289 retained).
Molecular consequence: synonymous variant.
Genome position (GRCh38, 1-based): chr16:2,497,015, G>A. VCF-style: chr16-2497015-G-A. GRCh37 (hg19) VCF-style: chr16-2547016-G-A.
Other names: c.867G>A, p.Ala289= (NM_020705.3).
Identifiers: ClinVar variation 505687 (VCV000505687.13), dbSNP rs1328290571, ClinGen allele CA493367240.

ClinVar aggregate classification (germline): Likely benign. Review status: criteria provided, multiple submitters, no conflicts (2 of 4 stars). 2 submissions from 2 submitters: Likely benign (2). Last evaluated 2025-03-22.

Conditions:
Developmental and epileptic encephalopathy, 1 (DEE1). Also called: X-linked infantile spasms; West's syndrome; Tonic spasms with clustering, arrest of psychomotor development and hypsarrhythmia on EEG; X-Linked Infantile Spasm Syndrome; OHTAHARA SYNDROME, X-LINKED; Epileptic encephalopathy, early infantile, 1. Identifiers: MedGen C3463992, MONDO:0010632, OMIM 308350. Disease mechanism: loss of function.
Autosomal dominant nonsyndromic hearing loss 65. Also called: Deafness, autosomal dominant 65; TBC1D24-Related Autosomal Dominant Nonsyndromic Hearing Loss (DFNA). Identifiers: Orphanet 90635, MedGen C3892048, MONDO:0014470, OMIM 616044.

Allele frequency attached by ClinVar (database versions not stated): TOPMed 0.00002; gnomAD exomes 0.00001.

Submissions (2):

Labcorp Genetics (formerly Invitae), Labcorp
Classification: Likely benign for Developmental and epileptic encephalopathy, 1; Autosomal dominant nonsyndromic hearing loss 65. Last evaluated: 2025-03-22. Review status: criteria provided, single submitter. Criteria: Invitae Variant Classification Sherloc (09022015). Collection method: clinical testing. Allele origin: germline.

Laboratory for Molecular Medicine, Mass General Brigham Personalized Medicine
Classification: Likely benign. Last evaluated: 2017-02-21. Review status: criteria provided, single submitter. Criteria: LMM Criteria. Collection method: clinical testing. Allele origin: germline. Observed: 1 variant allele.
Comment: p.Ala289Ala in exon 2 of TBC1D24: This variant is not expected to have clinical significance because it does not alter an amino acid residue and it is not locat ed within the splice consensus sequence. It has been identified in 1/112070 Eur opean chromosomes by the Genome Aggregation Database (gnomAD).